The following is an entry in ClinVar:

ClinVar aggregate classification (germline): Uncertain significance (1 of 4 stars; one submission).

Submission:

Labcorp Genetics (formerly Invitae), Labcorp
Classification: Uncertain significance. Last evaluated: 2022-08-22. Review status: criteria provided, single submitter. Criteria: Invitae Variant Classification Sherloc (09022015). Collection method: clinical testing. Allele origin: germline.
Comment: This sequence change replaces tryptophan, which is neutral and slightly polar, with cysteine, which is neutral and slightly polar, at codon 3455 of the HERC1 protein (p.Trp3455Cys). This variant is not present in population databases (gnomAD no frequency). This variant has not been reported in the literature in individuals affected with HERC1-related conditions. Algorithms developed to predict the effect of missense changes on protein structure and function (SIFT, PolyPhen-2, Align-GVGD) all suggest that this variant is likely to be disruptive. In summary, the available evidence is currently insufficient to determine the role of this variant in disease. Therefore, it has been classified as a Variant of Uncertain Significance.

NM_003922.4(HERC1):c.10365G>T (p.Trp3455Cys)

Gene: HERC1 (HECT and RLD domain containing E3 ubiquitin protein ligase family member 1; minus strand). Cytogenetic location: 15q22.31.
Variant type: single nucleotide variant.
Coding change: c.10365G>T on transcript NM_003922.4 (MANE Select); coding-DNA position 10365, G replaced by T.
Protein change: p.Trp3455Cys; replaces tryptophan 3455 with cysteine.
Molecular consequence: missense variant.
Genome position (GRCh38, 1-based): chr15:63,652,467, C>A on the plus strand (G>T on the coding strand, the complement: HERC1 is on the minus strand). VCF-style: chr15-63652467-C-A. GRCh37 (hg19) VCF-style: chr15-63944666-C-A.
Other names: short protein forms W3455C.
Identifiers: ClinVar variation 1715518 (VCV001715518.5), dbSNP rs1085307759, ClinGen allele CA392753772.